The following is an entry in ClinVar:

NM_001080467.3(MYO5B):c.*2538G>A

Genes: SNHG22 (small nucleolar RNA host gene 22; plus strand), MYO5B (myosin VB; minus strand). Cytogenetic location: 18q21.1.
Variant type: single nucleotide variant.
Coding change: c.*2538G>A on transcript NM_001080467.3 (MANE Select); 2538 bases downstream of the stop codon, G replaced by A.
Molecular consequence: 3 prime UTR variant.
Genome position (GRCh38, 1-based): chr18:49,823,933, C>T on the plus strand (G>A on the coding strand, the complement: MYO5B is on the minus strand). VCF-style: chr18-49823933-C-T. GRCh37 (hg19) VCF-style: chr18-47350303-C-T.
Identifiers: ClinVar variation 326944 (VCV000326944.5), dbSNP rs183150275, ClinGen allele CA10641532.

ClinVar aggregate classification (germline): Likely benign (1 of 4 stars; one submission).

Conditions:
Congenital microvillous atrophy (DIAR2). Also called: DAVIDSON DISEASE; MICROVILLUS ATROPHY, CONGENITAL; Microvillus inclusion disease; Diarrhea 2 with microvillus atrophy, with or without cholestasis; CONGENITAL FAMILIAL PROTRACTED DIARRHEA WITH ENTEROCYTE BRUSH-BORDER ABNORMALITIES. Identifiers: Orphanet 2290, MedGen C0341306, MONDO:0009635, OMIM 251850.

Allele frequency attached by ClinVar (database versions not stated): 1000 Genomes Project 0.00379; 1000 Genomes Project 30x 0.00390; gnomAD 0.00393 and 0.00425; TOPMed 0.00451.

Submission:

Illumina Laboratory Services, Illumina
Classification: Likely benign for Congenital microvillous atrophy. Last evaluated: 2018-01-13. Review status: criteria provided, single submitter. Criteria: ICSL Variant Classification Criteria 13 December 2019. Collection method: clinical testing. Allele origin: germline.
Comment: This variant was observed in the ICSL laboratory as part of a predisposition screen in an ostensibly healthy population. It had not been previously curated by ICSL or reported in the Human Gene Mutation Database (HGMD: prior to June 1st, 2018), and was therefore a candidate for classification through an automated scoring system. Utilizing variant allele frequency, disease prevalence and penetrance estimates, and inheritance mode, an automated score was calculated to assess if this variant is too frequent to cause the disease. Based on the score and internal cut-off values, a variant classified as likely benign is not then subjected to further curation. The score for this variant resulted in a classification of likely benign for this disease.